The following is an entry in ClinVar:

NM_006904.7(PRKDC):c.293A>T (p.Gln98Leu)

Gene: PRKDC (protein kinase, DNA-activated, catalytic subunit; minus strand). Cytogenetic location: 8q11.21.
Variant type: single nucleotide variant.
Coding change: c.293A>T on transcript NM_006904.7 (MANE Select); coding-DNA position 293, A replaced by T.
Protein change: p.Gln98Leu; replaces glutamine 98 with leucine.
Molecular consequence: missense variant.
Genome position (GRCh38, 1-based): chr8:47,957,202, T>A on the plus strand (A>T on the coding strand, the complement: PRKDC is on the minus strand). VCF-style: chr8-47957202-T-A. GRCh37 (hg19) VCF-style: chr8-48869762-T-A.
Other names: c.293A>T, p.Gln98Leu (NM_001081640.2); short protein forms Q98L.
Identifiers: ClinVar variation 1503076 (VCV001503076.5), dbSNP rs1474338260, ClinGen allele CA371140953.

ClinVar aggregate classification (germline): Uncertain significance. Review status: criteria provided, multiple submitters, no conflicts (2 of 4 stars). 2 submissions from 2 submitters: Uncertain significance (2). Last evaluated 2022-01-16.

Conditions:
Severe combined immunodeficiency due to DNA-PKcs deficiency. Also called: IMMUNODEFICIENCY 26 WITH NEUROLOGIC ABNORMALITIES; Immunodeficiency 26 with or without neurologic abnormalities. Identifiers: Orphanet 317425, MedGen C4014833, MONDO:0014423, OMIM 615966.

gnomAD v4.1: 19 of 1,598,344 alleles (0.0012%); highest among the groups gnomAD compares: Non-Finnish European, 0.0016%; no homozygotes.

Submissions (2):

Ambry Genetics
Classification: Uncertain significance. Last evaluated: 2022-01-16. Review status: criteria provided, single submitter. Criteria: Ambry Variant Classification Scheme 2023. Collection method: clinical testing. Allele origin: germline.
Comment: The p.Q98L variant (also known as c.293A>T), located in coding exon 3 of the PRKDC gene, results from an A to T substitution at nucleotide position 293. The glutamine at codon 98 is replaced by leucine, an amino acid with dissimilar properties. This amino acid position is conserved. In addition, this alteration is predicted to be tolerated by in silico analysis. Since supporting evidence is limited at this time, the clinical significance of this alteration remains unclear.

Labcorp Genetics (formerly Invitae), Labcorp
Classification: Uncertain significance for Severe combined immunodeficiency due to DNA-PKcs deficiency. Last evaluated: 2021-05-03. Review status: criteria provided, single submitter. Criteria: Invitae Variant Classification Sherloc (09022015). Collection method: clinical testing. Allele origin: germline.
Comment: This sequence change replaces glutamine with leucine at codon 98 of the PRKDC protein (p.Gln98Leu). The glutamine residue is moderately conserved and there is a moderate physicochemical difference between glutamine and leucine. This variant is not present in population databases (ExAC no frequency). This variant has not been reported in the literature in individuals with PRKDC-related conditions. Experimental studies and prediction algorithms are not available or were not evaluated, and the functional significance of this variant is currently unknown. In summary, the available evidence is currently insufficient to determine the role of this variant in disease. Therefore, it has been classified as a Variant of Uncertain Significance.